The following is an entry in ClinVar:

ClinVar aggregate classification (germline): Pathogenic (1 of 4 stars; one submission).

Conditions:
Cohen syndrome (COH1). Also called: PEPPER SYNDROME; Cutis verticis gyrata, retinitis pigmentosa, and sensorineural deafness. Identifiers: Orphanet 193, MedGen C0265223, MONDO:0008999, OMIM 216550.

Submission:

Labcorp Genetics (formerly Invitae), Labcorp
Classification: Pathogenic for Cohen syndrome. Last evaluated: 2022-09-15. Review status: criteria provided, single submitter. Criteria: Invitae Variant Classification Sherloc (09022015). Collection method: clinical testing. Allele origin: germline.
Comment: For these reasons, this variant has been classified as Pathogenic. This variant has not been reported in the literature in individuals affected with VPS13B-related conditions. This variant is not present in population databases (gnomAD no frequency). This sequence change creates a premature translational stop signal (p.Ser1823Leufs*16) in the VPS13B gene. It is expected to result in an absent or disrupted protein product. Loss-of-function variants in VPS13B are known to be pathogenic (PMID: 15141358, 16648375, 20461111).

Literature cited by the submitters: PubMed 15141358; PubMed 16648375; PubMed 20461111.

NM_152564.5(VPS13B):c.5391dup (p.Ser1798fs)

Gene: VPS13B (vacuolar protein sorting 13 homolog B; plus strand). Cytogenetic location: 8q22.2.
Variant type: Duplication.
Coding change: c.5391dup on transcript NM_152564.5 (MANE Select); coding-DNA position 5391, one base duplicated (C; older notation c.5391dupC).
Protein change: p.Ser1798fs; shifts the reading frame from serine 1798.
Molecular consequence: frameshift variant.
Genome position (GRCh38, 1-based): chr8:99,641,981, C duplicated; the last of 3 consecutive C bases (chr8:99,641,979-99,641,981); duplicating any one gives the same sequence. VCF-style (leftmost placement, unchanged base first): chr8-99641978-T-TC. GRCh37 (hg19) VCF-style: chr8-100654206-T-TC.
Other names: c.5466dup, p.Ser1823fs (NM_017890.5); short protein forms S1823fs, S1798fs.
Identifiers: ClinVar variation 2030570 (VCV002030570.4), dbSNP rs1166294561, ClinGen allele CA371872444.